The following is an entry in ClinVar:

ClinVar aggregate classification (germline): Uncertain significance (1 of 4 stars; one submission).

Conditions:
Acrocallosal syndrome (ACLS). Also called: Schinzel syndrome 1; Absence of corpus callosum with unusual facial appearance, mental deficiency, duplication of the halluces and polydactyly; HALLUX DUPLICATION, POSTAXIAL POLYDACTYLY, AND ABSENCE OF CORPUS CALLOSUM. Identifiers: Orphanet 36, MedGen C0796147, MONDO:0008708, OMIM 200990.

Submission:

Labcorp Genetics (formerly Invitae), Labcorp
Classification: Uncertain significance for Acrocallosal syndrome. Last evaluated: 2022-09-07. Review status: criteria provided, single submitter. Criteria: Invitae Variant Classification Sherloc (09022015). Collection method: clinical testing. Allele origin: germline.
Comment: In summary, the available evidence is currently insufficient to determine the role of this variant in disease. Therefore, it has been classified as a Variant of Uncertain Significance. Algorithms developed to predict the effect of missense changes on protein structure and function (SIFT, PolyPhen-2, Align-GVGD) all suggest that this variant is likely to be tolerated. This variant has not been reported in the literature in individuals affected with KIF7-related conditions. The frequency data for this variant in the population databases is considered unreliable, as metrics indicate insufficient coverage at this position in the gnomAD database. This sequence change replaces alanine, which is neutral and non-polar, with serine, which is neutral and polar, at codon 414 of the KIF7 protein (p.Ala414Ser).

NM_198525.3(KIF7):c.1240G>T (p.Ala414Ser)

Gene: KIF7 (kinesin family member 7; minus strand). Cytogenetic location: 15q26.1.
Variant type: single nucleotide variant.
Coding change: c.1240G>T on transcript NM_198525.3 (MANE Select); coding-DNA position 1240, G replaced by T.
Protein change: p.Ala414Ser; replaces alanine 414 with serine.
Molecular consequence: missense variant.
Genome position (GRCh38, 1-based): chr15:89,648,458, C>A on the plus strand (G>T on the coding strand, the complement: KIF7 is on the minus strand). VCF-style: chr15-89648458-C-A. GRCh37 (hg19) VCF-style: chr15-90191689-C-A.
Other names: short protein forms A414S.
Identifiers: ClinVar variation 2086024 (VCV002086024.4), dbSNP rs1219215322, ClinGen allele CA393771697.